The following is an entry in ClinVar:

NM_207111.4(RNF216):c.1549C>T (p.Arg517Ter)

Gene: RNF216 (ring finger protein 216; minus strand). Cytogenetic location: 7p22.1.
Variant type: single nucleotide variant.
Coding change: c.1549C>T on transcript NM_207111.4 (MANE Select); coding-DNA position 1549, C replaced by T.
Protein change: p.Arg517Ter; replaces arginine 517 with a stop codon.
Molecular consequence: nonsense.
Genome position (GRCh38, 1-based): chr7:5,721,128, G>A on the plus strand (C>T on the coding strand, the complement: RNF216 is on the minus strand). VCF-style: chr7-5721128-G-A. GRCh37 (hg19) VCF-style: chr7-5760759-G-A.
Other names: c.1378C>T, p.Arg460Ter (NM_001377156.1, NM_207116.3); short protein forms R460*, R517*.
Identifiers: ClinVar variation 2721883 (VCV002721883.3), dbSNP rs1793398163, ClinGen allele CA366727384.

ClinVar aggregate classification (germline): Pathogenic (1 of 4 stars; one submission).

Allele frequency attached by ClinVar (database versions not stated): gnomAD exomes below 0.00001.
gnomAD v4.1: 2 of 1,613,728 alleles (0.00012%); highest among the groups gnomAD compares: Non-Finnish European, 0.00017%; no homozygotes.

Submission:

Labcorp Genetics (formerly Invitae), Labcorp
Classification: Pathogenic. Last evaluated: 2024-01-29. Review status: criteria provided, single submitter. Criteria: Invitae Variant Classification Sherloc (09022015). Collection method: clinical testing. Allele origin: germline.
Comment: This sequence change creates a premature translational stop signal (p.Arg517*) in the RNF216 gene. It is expected to result in an absent or disrupted protein product. Loss-of-function variants in RNF216 are known to be pathogenic (PMID: 24108619, 25841028). This variant is not present in population databases (gnomAD no frequency). This variant has not been reported in the literature in individuals affected with RNF216-related conditions. Algorithms developed to predict the effect of sequence changes on RNA splicing suggest that this variant may disrupt the consensus splice site. For these reasons, this variant has been classified as Pathogenic.

Literature cited by the submitters: PubMed 24108619; PubMed 25841028.